The following is an entry in ClinVar:

NM_000268.4(NF2):c.1495A>T (p.Asn499Tyr)

Gene: NF2 (NF2, moesin-ezrin-radixin like (MERLIN) tumor suppressor; plus strand). Cytogenetic location: 22q12.2.
Variant type: single nucleotide variant.
Coding change: c.1495A>T on transcript NM_000268.4 (MANE Select); coding-DNA position 1495, A replaced by T.
Protein change: p.Asn499Tyr; replaces asparagine 499 with tyrosine.
Molecular consequence: missense variant. On other transcripts: non-coding transcript variant (1), intron variant (1).
Genome position (GRCh38, 1-based): chr22:29,678,244, A>T. VCF-style: chr22-29678244-A-T. GRCh37 (hg19) VCF-style: chr22-30074233-A-T.
Other names: c.1381A>T, p.Asn461Tyr (NM_001407053.1, NM_001407056.1); c.1372A>T, p.Asn458Tyr (NM_001407054.1, NM_001407058.1, NM_181829.3); c.1369A>T, p.Asn457Tyr (NM_001407055.1, NM_181828.3); c.1360A>T, p.Asn454Tyr (NM_001407057.1, NM_001407059.1); c.1495A>T, p.Asn499Tyr (NM_001407060.1, NM_001407066.1, NM_016418.5 and 2 more transcripts); c.1237A>T, p.Asn413Tyr (NM_001407062.1); c.1246A>T, p.Asn416Tyr (NM_001407063.1, NM_001407064.1, NM_181830.3 and 1 more transcripts); c.961A>T, p.Asn321Tyr (NM_001407065.1); and 2 more; short protein forms N457Y, N321Y, N413Y, N416Y, N422Y, N454Y, N458Y, N461Y.
Identifiers: ClinVar variation 4661643 (VCV004661643.1).
Genomic context (GRCh38, chr22:29,678,244, plus strand): 5'-TCTCATTAACAGCCCATGAACCCAATTCCAGCACCGTTGCCTCCTGACATACCAAGCTTC[A>T]ACCTCATTGGTGACAGCCTGTCTTTCGACTTCAAAGATACTGACATGAAGCGGCTTTCCA-3'
Protein context (NP_000259.1, residues 489-509): APLPPDIPSF[Asn499Tyr]LIGDSLSFDF

ClinVar aggregate classification (germline): Uncertain significance (1 of 4 stars; one submission).

Conditions:
Hereditary cancer-predisposing syndrome. Also called: Neoplastic Syndromes, Hereditary; Tumor predisposition; Hereditary Cancer Syndrome; Hereditary neoplastic syndrome. Identifiers: Orphanet 140162, MedGen C0027672, MeSH D009386, MONDO:0015356.

Submission:

Ambry Genetics
Classification: Uncertain significance for Hereditary cancer-predisposing syndrome. Last evaluated: 2025-11-30. Review status: criteria provided, single submitter. Criteria: Ambry Variant Classification Scheme 2023. Collection method: clinical testing. Allele origin: germline.
Comment: The p.N499Y variant (also known as c.1495A>T), located in coding exon 14 of the NF2 gene, results from an A to T substitution at nucleotide position 1495. The asparagine at codon 499 is replaced by tyrosine, an amino acid with dissimilar properties. This amino acid position is conserved. In addition, this alteration is predicted to be tolerated by in silico analysis. Based on the available evidence, the clinical significance of this variant remains unclear.